The following is an entry in ClinVar:

ClinVar aggregate classification (germline): Uncertain significance (1 of 4 stars; one submission).

Conditions:
Charcot-Marie-Tooth disease axonal type 2O. Also called: CHARCOT-MARIE-TOOTH NEUROPATHY, AXONAL, TYPE 2O; CHARCOT-MARIE-TOOTH DISEASE, AXONAL, AUTOSOMAL DOMINANT, TYPE 2O; Charcot-Marie-Tooth Neuropathy Type 2O; Charcot-Marie-Tooth disease, axonal, type 20. Identifiers: Orphanet 284232, MedGen C3280220, MONDO:0013644, OMIM 614228.

Submission:

Labcorp Genetics (formerly Invitae), Labcorp
Classification: Uncertain significance for Charcot-Marie-Tooth disease axonal type 2O. Last evaluated: 2022-06-08. Review status: criteria provided, single submitter. Criteria: Invitae Variant Classification Sherloc (09022015). Collection method: clinical testing. Allele origin: germline.
Comment: This variant has not been reported in the literature in individuals affected with DYNC1H1-related conditions. Advanced modeling of protein sequence and biophysical properties (such as structural, functional, and spatial information, amino acid conservation, physicochemical variation, residue mobility, and thermodynamic stability) performed at Invitae indicates that this missense variant is expected to disrupt DYNC1H1 protein function. In summary, the available evidence is currently insufficient to determine the role of this variant in disease. Therefore, it has been classified as a Variant of Uncertain Significance. This variant is not present in population databases (gnomAD no frequency). This sequence change replaces threonine, which is neutral and polar, with serine, which is neutral and polar, at codon 2326 of the DYNC1H1 protein (p.Thr2326Ser).

NM_001376.5(DYNC1H1):c.6977C>G (p.Thr2326Ser)

Gene: DYNC1H1 (dynein cytoplasmic 1 heavy chain 1; plus strand). Cytogenetic location: 14q32.31.
Variant type: single nucleotide variant.
Coding change: c.6977C>G on transcript NM_001376.5 (MANE Select); coding-DNA position 6977, C replaced by G.
Protein change: p.Thr2326Ser; replaces threonine 2326 with serine.
Molecular consequence: missense variant.
Genome position (GRCh38, 1-based): chr14:102,012,433, C>G. VCF-style: chr14-102012433-C-G. GRCh37 (hg19) VCF-style: chr14-102478770-C-G.
Other names: short protein forms T2326S.
Identifiers: ClinVar variation 2002899 (VCV002002899.4), dbSNP rs2503757919, ClinGen allele CA391059134.